The following is an entry in ClinVar:

ClinVar aggregate classification (germline): Likely benign (1 of 4 stars; one submission).

Conditions:
Cardiac arrhythmia, ankyrin-B-related. Also called: ANKYRIN-B SYNDROME. Identifiers: Orphanet 101016, Orphanet 768, MedGen C1970119, MONDO:0010958, OMIM 600919.

Allele frequency attached by ClinVar (database versions not stated): TOPMed 0.00003; gnomAD 0.00006 and 0.00011; gnomAD exomes 0.00018 and 0.00019; 1000 Genomes Project 0.00020; ExAC 0.00026; 1000 Genomes Project 30x 0.00031.

Submission:

Illumina Laboratory Services, Illumina
Classification: Likely benign for Cardiac arrhythmia, ankyrin-B-related. Last evaluated: 2018-01-13. Review status: criteria provided, single submitter. Criteria: ICSL Variant Classification Criteria 13 December 2019. Collection method: clinical testing. Allele origin: germline.
Comment: This variant was observed in the ICSL laboratory as part of a predisposition screen in an ostensibly healthy population. It had not been previously curated by ICSL or reported in the Human Gene Mutation Database (HGMD: prior to June 1st, 2018), and was therefore a candidate for classification through an automated scoring system. Utilizing variant allele frequency, disease prevalence and penetrance estimates, and inheritance mode, an automated score was calculated to assess if this variant is too frequent to cause the disease. Based on the score and internal cut-off values, a variant classified as likely benign is not then subjected to further curation. The score for this variant resulted in a classification of likely benign for this disease.

NM_001148.6(ANK2):c.*94G>A

Gene: ANK2 (ankyrin 2; plus strand). Cytogenetic location: 4q26.
Variant type: single nucleotide variant.
Coding change: c.*94G>A on transcript NM_001148.6 (MANE Select); 94 bases downstream of the stop codon, G replaced by A.
Molecular consequence: 3 prime UTR variant. On other transcripts: synonymous variant (2).
Genome position (GRCh38, 1-based): chr4:113,381,565, G>A. VCF-style: chr4-113381565-G-A. GRCh37 (hg19) VCF-style: chr4-114302721-G-A.
Other names: c.*94G>A (NM_001127493.3, NM_001354225.2, NM_001354228.2 and 67 more transcripts); c.12477G>A, p.Gln4159= (NM_001386174.1); c.12453G>A, p.Gln4151= (NM_001386175.1).
Identifiers: ClinVar variation 902276 (VCV000902276.4), dbSNP rs538318153, ClinGen allele CA3052465.